The following is an entry in ClinVar:

NM_139276.3(STAT3):c.2277G>A (p.Met759Ile)

Gene: STAT3 (signal transducer and activator of transcription 3; minus strand). Cytogenetic location: 17q21.2.
Variant type: single nucleotide variant.
Coding change: c.2277G>A on transcript NM_139276.3 (MANE Select); coding-DNA position 2277, G replaced by A.
Protein change: p.Met759Ile; replaces methionine 759 with isoleucine.
Molecular consequence: missense variant. On other transcripts: 3 prime UTR variant (7).
Genome position (GRCh38, 1-based): chr17:42,315,781, C>T on the plus strand (G>A on the coding strand, the complement: STAT3 is on the minus strand). VCF-style: chr17-42315781-C-T. GRCh37 (hg19) VCF-style: chr17-40467799-C-T.
Other names: c.2277G>A, p.Met759Ile (NM_001369512.1, NM_001369513.1); c.2274G>A, p.Met758Ile (NM_001369514.1, NM_003150.4, NM_001369516.1); c.2250G>A, p.Met750Ile (NM_001384991.1); c.2217G>A, p.Met739Ile (NM_001384992.1); c.2265G>A, p.Met755Ile (NM_001384993.1); c.*58G>A (NM_213662.2, NM_001369517.1, NM_001369518.1 and 4 more transcripts); c.2193G>A, p.Met731Ile (NM_001384984.1); c.2199G>A, p.Met733Ile (NM_001384985.1); and 3 more; short protein forms M750I, M755I, M758I, M759I, M726I, M727I, M731I, M752I.
Identifiers: ClinVar variation 1499925 (VCV001499925.8), dbSNP rs2144606505, ClinGen allele CA399579055.

ClinVar aggregate classification (germline): Uncertain significance (1 of 4 stars; one submission).

Conditions:
STAT3 gain of function. Identifiers: MedGen C4288261.
Hyper-IgE recurrent infection syndrome 1, autosomal dominant. Also called: STAT3 Hyper IgE Syndrome; HYPER-IgE SYNDROME 1, AUTOSOMAL DOMINANT, WITH RECURRENT INFECTIONS; JOB SYNDROME; Job's Syndrome; Hyper-IgE recurrent infection syndrome 1. Identifiers: Orphanet 2314, MedGen C2936739, MONDO:0007818, OMIM 147060.

Submission:

Labcorp Genetics (formerly Invitae), Labcorp
Classification: Uncertain significance for STAT3 gain of function; Hyper-IgE recurrent infection syndrome 1, autosomal dominant. Last evaluated: 2024-04-05. Review status: criteria provided, single submitter. Criteria: Invitae Variant Classification Sherloc (09022015). Collection method: clinical testing. Allele origin: germline.
Comment: This sequence change replaces methionine, which is neutral and non-polar, with isoleucine, which is neutral and non-polar, at codon 759 of the STAT3 protein (p.Met759Ile). This variant is not present in population databases (gnomAD no frequency). This variant has not been reported in the literature in individuals affected with STAT3-related conditions. ClinVar contains an entry for this variant (Variation ID: 1499925). Advanced modeling of protein sequence and biophysical properties (such as structural, functional, and spatial information, amino acid conservation, physicochemical variation, residue mobility, and thermodynamic stability) performed at Invitae indicates that this missense variant is not expected to disrupt STAT3 protein function with a negative predictive value of 95%. Algorithms developed to predict the effect of sequence changes on RNA splicing suggest that this variant may disrupt the consensus splice site. In summary, the available evidence is currently insufficient to determine the role of this variant in disease. Therefore, it has been classified as a Variant of Uncertain Significance.